The following is an entry in ClinVar:

NM_000222.3(KIT):c.1593C>T (p.Ile531=)

Gene: KIT (KIT proto-oncogene, receptor tyrosine kinase; plus strand). Cytogenetic location: 4q12.
Variant type: single nucleotide variant.
Coding change: c.1593C>T on transcript NM_000222.3 (MANE Select); coding-DNA position 1593, C replaced by T.
Protein change: p.Ile531=; no amino-acid change (isoleucine 531 retained).
Molecular consequence: synonymous variant.
Genome position (GRCh38, 1-based): chr4:54,727,270, C>T. VCF-style: chr4-54727270-C-T. GRCh37 (hg19) VCF-style: chr4-55593436-C-T.
Other names: c.1581C>T, p.Ile527= (NM_001093772.2, NM_001385286.1); c.1596C>T, p.Ile532= (NM_001385284.1, NM_001385290.1); c.1593C>T, p.Ile531= (NM_001385285.1); c.1584C>T, p.Ile528= (NM_001385288.1, NM_001385292.1).
Identifiers: ClinVar variation 415782 (VCV000415782.15), dbSNP rs760143011, ClinGen allele CA2923527.

ClinVar aggregate classification (germline): Benign/Likely benign. Review status: criteria provided, multiple submitters, no conflicts (2 of 4 stars). 3 submissions from 3 submitters: Benign (1); Likely benign (2). Last evaluated 2026-06-04.

Conditions:
Hereditary cancer-predisposing syndrome. Also called: Neoplastic Syndromes, Hereditary; Hereditary Cancer Syndrome; Hereditary neoplastic syndrome; Tumor predisposition. Identifiers: Orphanet 140162, MedGen C0027672, MeSH D009386, MONDO:0015356.
Gastrointestinal stromal tumor. Also called: Gastrointestinal stroma tumor; Gastrointestinal stromal tumor, somatic. Identifiers: Orphanet 44890, MedGen C0238198, MeSH D046152, MONDO:0011719, OMIM 606764, HP:0100723.

Allele frequency attached by ClinVar (database versions not stated): gnomAD 0.00002; gnomAD exomes 0.00002 and 0.00001; TOPMed 0.00001; ExAC 0.00002.
gnomAD v4.1: 23 of 1,613,988 alleles (0.0014%); highest among the groups gnomAD compares: African/African-American, 0.0053%; no homozygotes.

Submissions (3):

Myriad Genetics, Inc.
Classification: Benign for Gastrointestinal stromal tumor. Last evaluated: 2026-06-04. Review status: criteria provided, single submitter. Criteria: Myriad Autosomal Dominant, Autosomal Recessive and X-Linked Classification Criteria (2023). Collection method: clinical testing. Allele origin: unknown.
Comment: This variant is considered benign. This variant is a silent/synonymous amino acid change and it is not expected to impact splicing.

Labcorp Genetics (formerly Invitae), Labcorp
Classification: Likely benign for Gastrointestinal stromal tumor. Last evaluated: 2025-02-17. Review status: criteria provided, single submitter. Criteria: Invitae Variant Classification Sherloc (09022015). Collection method: clinical testing. Allele origin: germline.

Ambry Genetics
Classification: Likely benign for Hereditary cancer-predisposing syndrome. Last evaluated: 2022-05-11. Review status: criteria provided, single submitter. Criteria: Ambry Variant Classification Scheme 2023. Collection method: clinical testing. Allele origin: germline.